The following is an entry in ClinVar:

NM_130468.4(CHST14):c.676_682delinsGCTATGGGGCT (p.Lys226fs)

Gene: CHST14 (carbohydrate sulfotransferase 14; plus strand). Cytogenetic location: 15q15.1.
Variant type: Indel.
Coding change: c.676_682delinsGCTATGGGGCT on transcript NM_130468.4 (MANE Select); coding-DNA positions 676 to 682, AAGTTTG replaced by GCTATGGGGCT.
Protein change: p.Lys226fs; shifts the reading frame from lysine 226.
Molecular consequence: frameshift variant.
Genome position (GRCh38, 1-based): chr15:40,471,889-40,471,895, AAGTTTG replaced by GCTATGGGGCT. VCF-style: chr15-40471889-AAGTTTG-GCTATGGGGCT. GRCh37 (hg19) VCF-style: chr15-40764088-AAGTTTG-GCTATGGGGCT.
Other names: short protein forms K226fs.
Identifiers: ClinVar variation 1971283 (VCV001971283.5), dbSNP rs2543006253, ClinGen allele CA2580089365.

ClinVar aggregate classification (germline): Pathogenic (1 of 4 stars; one submission).

Conditions:
Ehlers-Danlos syndrome, musculocontractural type (EDSMC). Also called: Adducted thumb, clubfoot, progressive joint and skin laxity syndrome; ADDUCTED THUMB-CLUBFOOT SYNDROME; ARTHROGRYPOSIS, DISTAL, WITH PECULIAR FACIES AND HYDRONEPHROSIS; DUNDAR SYNDROME. Identifiers: Orphanet 2953, MedGen C1866294, MONDO:0011142.

Submission:

Labcorp Genetics (formerly Invitae), Labcorp
Classification: Pathogenic for Ehlers-Danlos syndrome, musculocontractural type. Last evaluated: 2022-07-16. Review status: criteria provided, single submitter. Criteria: Invitae Variant Classification Sherloc (09022015). Collection method: clinical testing. Allele origin: germline.
Comment: For these reasons, this variant has been classified as Pathogenic. This variant disrupts a region of the CHST14 protein in which other variant(s) (p.Pro281Leu) have been determined to be pathogenic (PMID: 20533528, 21744491). This suggests that this is a clinically significant region of the protein, and that variants that disrupt it are likely to be disease-causing. This variant is also known as c.676_682delAAGTTTGinsGCTATGGGGCT (p.Lys226_Phe227delinsAlaMetGly, Gly228Leufs*13). This premature translational stop signal has been observed in individual(s) with autosomal recessive CHST14-congenital disorder of glycosylation, also known as musculocontractural type Ehlers-Danlos syndrome (PMID: 22987394). Information on the frequency of this variant in the gnomAD database is not available, as this variant may be reported differently in the database. This sequence change creates a premature translational stop signal (p.Lys226Alafs*16) in the CHST14 gene. While this is not anticipated to result in nonsense mediated decay, it is expected to disrupt the last 151 amino acid(s) of the CHST14 protein.

Literature cited by the submitters: PubMed 20533528; PubMed 21744491; PubMed 22987394.